The following is an entry in ClinVar:

NM_001605.3(AARS1):c.1222+5_1222+7delinsTTTTTGC

Gene: AARS1 (alanyl-tRNA synthetase 1; minus strand). Cytogenetic location: 16q22.1.
Variant type: Indel.
Coding change: c.1222+5_1222+7delinsTTTTTGC on transcript NM_001605.3 (MANE Select); bases 5 to 7 of the intron after coding-DNA position 1222, GTA replaced by TTTTTGC.
Molecular consequence: intron variant.
Genome position (GRCh38, 1-based): chr16:70,267,652-70,267,654, TAC replaced by GCAAAAA on the plus strand (GTA replaced by TTTTTGC on the coding strand, the reverse complement: AARS1 is on the minus strand). VCF-style: chr16-70267652-TAC-GCAAAAA. GRCh37 (hg19) VCF-style: chr16-70301555-TAC-GCAAAAA.
Identifiers: ClinVar variation 970540 (VCV000970540.3), dbSNP rs1960294143, ClinGen allele CA1139664810.

ClinVar aggregate classification (germline): Uncertain significance. Review status: criteria provided, multiple submitters, no conflicts (2 of 4 stars). 2 submissions from 2 submitters: Uncertain significance (2). Last evaluated 2024-07-10.

Conditions:
Charcot-Marie-Tooth disease type 2. Also called: Charcot-Marie-Tooth type 2. Identifiers: Orphanet 64746, MedGen C0270914, MONDO:0018993.

Submissions (2):

Women's Health and Genetics/Laboratory Corporation of America, LabCorp
Classification: Uncertain significance. Last evaluated: 2024-07-10. Review status: criteria provided, single submitter. Criteria: LabCorp Variant Classification Summary - May 2015. Collection method: clinical testing. Allele origin: germline.
Comment: Variant summary: AARS1 c.1222+5_1222+7delinsTTTTTGC alters conserved nucleotides located close to a canonical splice site and therefore could affect mRNA splicing, leading to a significantly altered protein sequence. Several computational tools predict a significant impact on normal splicing: Two predict the variant abolishes the canonical 5' splicing donor site. Two predict the variant weakens the canonical 5' donor site. However, these predictions have yet to be confirmed by functional studies. The variant was absent in 282764 control chromosomes. The available data on variant occurrences in the general population are insufficient to allow any conclusion about variant significance. To our knowledge, no occurrence of c.1222+5_1222+7delinsTTTTTGC in individuals affected with Developmental And Epileptic Encephalopathy, 29 and no experimental evidence demonstrating its impact on protein function have been reported. ClinVar contains an entry for this variant (Variation ID: 970540). Based on the evidence outlined above, the variant was classified as uncertain significance.

Labcorp Genetics (formerly Invitae), Labcorp
Classification: Uncertain significance for Charcot-Marie-Tooth disease type 2. Last evaluated: 2023-08-30. Review status: criteria provided, single submitter. Criteria: Invitae Variant Classification Sherloc (09022015). Collection method: clinical testing. Allele origin: germline.
Comment: In summary, the available evidence is currently insufficient to determine the role of this variant in disease. Therefore, it has been classified as a Variant of Uncertain Significance. Variants that disrupt the consensus splice site are a relatively common cause of aberrant splicing (PMID: 17576681, 9536098). Algorithms developed to predict the effect of sequence changes on RNA splicing suggest that this variant is not likely to affect RNA splicing. This variant has not been reported in the literature in individuals affected with AARS-related conditions. This variant is present in population databases (rs753136024, gnomAD 0.02%). This sequence change falls in intron 9 of the AARS gene. It does not directly change the encoded amino acid sequence of the AARS protein. It affects a nucleotide within the consensus splice site.

Literature cited by the submitters: PubMed 17576681 (cited by Labcorp Genetics (formerly Invitae), Labcorp); PubMed 9536098 (cited by Labcorp Genetics (formerly Invitae), Labcorp).